The following is an entry in ClinVar:

ClinVar aggregate classification (germline): Uncertain significance (1 of 4 stars; one submission).

Conditions:
Aortic aneurysm, familial thoracic 7 (AAT7). Also called: AORTIC DISSECTION, FAMILIAL, WITH OR WITHOUT AORTIC ANEURYSM. Identifiers: MedGen C3151077, MONDO:0013418, OMIM 613780.

Submission:

Molecular Genetics, Royal Melbourne Hospital
Classification: Uncertain significance for Aortic aneurysm, familial thoracic 7. Last evaluated: 2023-03-30. Review status: criteria provided, single submitter. Criteria: ACMG Guidelines, 2015. Collection method: clinical testing. Allele origin: germline. Affected: yes.
Comment: This sequence change in MYLK is predicted to replace asparagine with threonine at codon 1076 (p.(Asn1076Thr)). The asparagine residue is moderately conserved (100 vertebrates, UCSC), and is located in an actin binding region. There is a moderate physicochemical difference between asparagine and threonine. This variant is absent from gnomAD v2.1 and v3.1. To our knowledge, this variant has not been reported in the literature in any individuals with MYLK-related disease. Multiple lines of computational evidence have conflicting predictions for the missense substitution (3/5 algorithms predict benign). Based on the classification scheme RMH Modified ACMG Guidelines v1.4.0, this variant is classified as a VARIANT OF UNCERTAIN SIGNIFICANCE. Following criteria are met: PM2_Supporting.

NM_053025.4(MYLK):c.3227A>C (p.Asn1076Thr)

Gene: MYLK (myosin light chain kinase; minus strand). Cytogenetic location: 3q21.1.
Variant type: single nucleotide variant.
Coding change: c.3227A>C on transcript NM_053025.4 (MANE Select); coding-DNA position 3227, A replaced by C.
Protein change: p.Asn1076Thr; replaces asparagine 1076 with threonine.
Molecular consequence: missense variant.
Genome position (GRCh38, 1-based): chr3:123,700,241, T>G on the plus strand (A>C on the coding strand, the complement: MYLK is on the minus strand). VCF-style: chr3-123700241-T-G. GRCh37 (hg19) VCF-style: chr3-123419088-T-G.
Other names: c.2699A>C, p.Asn900Thr (NM_001321309.2); c.3020A>C, p.Asn1007Thr (NM_053026.4, NM_053028.4); c.3227A>C, p.Asn1076Thr (NM_053027.4); short protein forms N1007T, N1076T, N900T.
Identifiers: ClinVar variation 1676251 (VCV001676251.2), dbSNP rs2108578399, ClinGen allele CA354229785.